The following is an entry in ClinVar:

NM_033100.4(CDHR1):c.406A>C (p.Ile136Leu)

Gene: CDHR1 (cadherin related family member 1; plus strand). Cytogenetic location: 10q23.1.
Variant type: single nucleotide variant.
Coding change: c.406A>C on transcript NM_033100.4 (MANE Select); coding-DNA position 406, A replaced by C.
Protein change: p.Ile136Leu; replaces isoleucine 136 with leucine.
Molecular consequence: missense variant.
Genome position (GRCh38, 1-based): chr10:84,199,089, A>C. VCF-style: chr10-84199089-A-C. GRCh37 (hg19) VCF-style: chr10-85958845-A-C.
Other names: c.406A>C, p.Ile136Leu (NM_001171971.3); c.406A>C (NM_033100.2); short protein forms I136L.
Identifiers: ClinVar variation 1368879 (VCV001368879.8), dbSNP rs1455480884, ClinGen allele CA377371064.

ClinVar aggregate classification (germline): Uncertain significance. Review status: criteria provided, multiple submitters, no conflicts (2 of 4 stars). 2 submissions from 2 submitters: Uncertain significance (2). Last evaluated 2023-08-22.

Conditions:
Inborn genetic diseases. Identifiers: MedGen C0950123, MeSH D030342.

Allele frequency attached by ClinVar (database versions not stated): gnomAD 0.00001; gnomAD exomes 0.00001 and 0.00003.
gnomAD v4.1: 42 of 1,551,430 alleles (0.0027%); highest among the groups gnomAD compares: Non-Finnish European, 0.0037%; no homozygotes.

Submissions (2):

Ambry Genetics
Classification: Uncertain significance for Inborn genetic diseases. Last evaluated: 2023-08-22. Review status: criteria provided, single submitter. Criteria: Ambry Variant Classification Scheme 2023. Collection method: clinical testing. Allele origin: germline.

Labcorp Genetics (formerly Invitae), Labcorp
Classification: Uncertain significance. Last evaluated: 2022-03-09. Review status: criteria provided, single submitter. Criteria: Invitae Variant Classification Sherloc (09022015). Collection method: clinical testing. Allele origin: germline.
Comment: This sequence change replaces isoleucine, which is neutral and non-polar, with leucine, which is neutral and non-polar, at codon 136 of the CDHR1 protein (p.Ile136Leu). This variant is present in population databases (no rsID available, gnomAD 0.002%). This variant has not been reported in the literature in individuals affected with CDHR1-related conditions. Advanced modeling of protein sequence and biophysical properties (such as structural, functional, and spatial information, amino acid conservation, physicochemical variation, residue mobility, and thermodynamic stability) performed at Invitae indicates that this missense variant is not expected to disrupt CDHR1 protein function. In summary, the available evidence is currently insufficient to determine the role of this variant in disease. Therefore, it has been classified as a Variant of Uncertain Significance.